The following is an entry in ClinVar:

ClinVar aggregate classification (germline): Uncertain significance. Review status: criteria provided, multiple submitters, no conflicts (2 of 4 stars). 3 submissions from 3 submitters: Uncertain significance (2). 1 of the submissions does not count toward it. Last evaluated 2026-05-20.

Conditions:
Cardiomyopathy (CMYO). Also called: Cardiomyopathies. Identifiers: Orphanet 167848, MedGen C0878544, MONDO:0004994, HP:0001638. Inheritance: Various modes of inheritance.
Dystrophin deficiency.
Duchenne muscular dystrophy (DMD). Also called: MUSCULAR DYSTROPHY, PSEUDOHYPERTROPHIC PROGRESSIVE, DUCHENNE TYPE; Duchenne Muscular Dystrophy (DMD). Identifiers: Orphanet 98896, MedGen C0013264, MONDO:0010679, OMIM 310200.
Becker muscular dystrophy (BMD). Also called: Becker Muscular Dystrophy (BMD); MUSCULAR DYSTROPHY, PSEUDOHYPERTROPHIC PROGRESSIVE, BECKER TYPE. Identifiers: Orphanet 98895, MedGen C0917713, MONDO:0010311, OMIM 300376.
Cardiovascular phenotype. Identifiers: MedGen CN230736.

Allele frequency attached by ClinVar (database versions not stated): gnomAD exomes below 0.00001.
gnomAD v4.1: 1 of 1,210,147 alleles (0.000083%); highest among the groups gnomAD compares: African/African-American, 0.0017%; no homozygotes.

Submissions (3):

Ambry Genetics
Classification: Uncertain significance for Cardiovascular phenotype. Last evaluated: 2026-05-20. Review status: criteria provided, single submitter. Criteria: Ambry Variant Classification Scheme 2023. Collection method: clinical testing. Allele origin: germline.
Comment: The p.T689N variant (also known as c.2066C>A), located in coding exon 17 of the DMD gene, results from a C to A substitution at nucleotide position 2066. The threonine at codon 689 is replaced by asparagine, an amino acid with similar properties. This amino acid position is conserved. In addition, this alteration is predicted to be tolerated by in silico analysis. Based on the available evidence, the clinical significance of this variant remains unclear.

Labcorp Genetics (formerly Invitae), Labcorp
Classification: Uncertain significance for Duchenne muscular dystrophy. Last evaluated: 2025-06-02. Review status: criteria provided, single submitter. Criteria: Invitae Variant Classification Sherloc (09022015). Collection method: clinical testing. Allele origin: germline.
Comment: This sequence change replaces threonine, which is neutral and polar, with asparagine, which is neutral and polar, at codon 689 of the DMD protein (p.Thr689Asn). This variant is not present in population databases (gnomAD no frequency). This variant has not been reported in the literature in individuals affected with DMD-related conditions. ClinVar contains an entry for this variant (Variation ID: 1037906). Invitae Evidence Modeling of protein sequence and biophysical properties (such as structural, functional, and spatial information, amino acid conservation, physicochemical variation, residue mobility, and thermodynamic stability) indicates that this missense variant is not expected to disrupt DMD protein function with a negative predictive value of 95%. In summary, the available evidence is currently insufficient to determine the role of this variant in disease. Therefore, it has been classified as a Variant of Uncertain Significance.

Natera, Inc.
Classification: Uncertain significance for Becker muscular dystrophy; Cardiomyopathy; Duchenne muscular dystrophy; Dystrophin deficiency. Last evaluated: 2020-11-20. Review status: no assertion criteria provided. Collection method: clinical testing. Allele origin: germline. Not counted in ClinVar's aggregate classification.

NM_004006.3(DMD):c.2066C>A (p.Thr689Asn)

Gene: DMD (dystrophin; minus strand). Cytogenetic location: Xp21.1.
Variant type: single nucleotide variant.
Coding change: c.2066C>A on transcript NM_004006.3 (MANE Select); coding-DNA position 2066, C replaced by A.
Protein change: p.Thr689Asn; replaces threonine 689 with asparagine.
Molecular consequence: missense variant.
Genome position (GRCh38, 1-based): chrX:32,545,261, G>T on the plus strand (C>A on the coding strand, the complement: DMD is on the minus strand). VCF-style: chrX-32545261-G-T. GRCh37 (hg19) VCF-style: chrX-32563378-G-T.
Other names: c.2066C>A (NM_004006.2); c.2042C>A, p.Thr681Asn (NM_000109.4); c.2054C>A, p.Thr685Asn (NM_004009.3); c.1697C>A, p.Thr566Asn (NM_004010.3); short protein forms T566N, T681N, T685N, T689N.
Identifiers: ClinVar variation 1037906 (VCV001037906.11), dbSNP rs2048861309, ClinGen allele CA412668379.